The following is an entry in ClinVar:

NM_001085487.3(MYSM1):c.1700T>C (p.Phe567Ser)

Gene: MYSM1 (Myb like, SWIRM and MPN domains 1; minus strand). Cytogenetic location: 1p32.1.
Variant type: single nucleotide variant.
Coding change: c.1700T>C on transcript NM_001085487.3 (MANE Select); coding-DNA position 1700, T replaced by C.
Protein change: p.Phe567Ser; replaces phenylalanine 567 with serine.
Molecular consequence: missense variant.
Genome position (GRCh38, 1-based): chr1:58,669,000, A>G on the plus strand (T>C on the coding strand, the complement: MYSM1 is on the minus strand). VCF-style: chr1-58669000-A-G. GRCh37 (hg19) VCF-style: chr1-59134672-A-G.
Other names: short protein forms F567S.
Identifiers: ClinVar variation 2980418 (VCV002980418.3), dbSNP rs1445834146, ClinGen allele CA340520103.

ClinVar aggregate classification (germline): Uncertain significance (1 of 4 stars; one submission).

Allele frequency attached by ClinVar (database versions not stated): gnomAD 0.00001; TOPMed 0.00001.
gnomAD v4.1: 2 of 1,601,642 alleles (0.00012%); highest among the groups gnomAD compares: Non-Finnish European, 0.00017%; no homozygotes.

Submission:

Labcorp Genetics (formerly Invitae), Labcorp
Classification: Uncertain significance. Last evaluated: 2023-09-05. Review status: criteria provided, single submitter. Criteria: Invitae Variant Classification Sherloc (09022015). Collection method: clinical testing. Allele origin: germline.
Comment: In summary, the available evidence is currently insufficient to determine the role of this variant in disease. Therefore, it has been classified as a Variant of Uncertain Significance. Advanced modeling of protein sequence and biophysical properties (such as structural, functional, and spatial information, amino acid conservation, physicochemical variation, residue mobility, and thermodynamic stability) performed at Invitae indicates that this missense variant is expected to disrupt MYSM1 protein function. This variant has not been reported in the literature in individuals affected with MYSM1-related conditions. This variant is not present in population databases (gnomAD no frequency). This sequence change replaces phenylalanine, which is neutral and non-polar, with serine, which is neutral and polar, at codon 567 of the MYSM1 protein (p.Phe567Ser).